The following is an entry in ClinVar:

NM_017951.5(SMPD4):c.2383G>A (p.Val795Ile)

Gene: SMPD4 (sphingomyelin phosphodiesterase 4; minus strand). Cytogenetic location: 2q21.1.
Variant type: single nucleotide variant.
Coding change: c.2383G>A on transcript NM_017951.5 (MANE Select); coding-DNA position 2383, G replaced by A.
Protein change: p.Val795Ile; replaces valine 795 with isoleucine.
Molecular consequence: missense variant. On other transcripts: non-coding transcript variant (2).
Genome position (GRCh38, 1-based): chr2:130,152,656, C>T on the plus strand (G>A on the coding strand, the complement: SMPD4 is on the minus strand). VCF-style: chr2-130152656-C-T. GRCh37 (hg19) VCF-style: chr2-130910229-C-T.
Other names: c.2194G>A, p.Val732Ile (NM_001171083.2); c.2413G>A, p.Val805Ile (NM_017751.4); short protein forms V732I, V795I, V805I.
Identifiers: ClinVar variation 3359809 (VCV003359809.1).

ClinVar aggregate classification (germline): Uncertain significance (1 of 4 stars; one submission).

gnomAD v4.1: 33 of 1,563,632 alleles (0.0021%); highest among the groups gnomAD compares: Middle Eastern, 0.019%; no homozygotes.

Submission:

GeneDx
Classification: Uncertain significance. Last evaluated: 2023-06-15. Review status: criteria provided, single submitter. Criteria: GeneDx Variant Classification Process June 2021. Collection method: clinical testing. Allele origin: germline. Affected: yes.
Comment: In silico analysis supports that this missense variant does not alter protein structure/function; Has not been previously published as pathogenic or benign to our knowledge